The following is an entry in ClinVar:

ClinVar aggregate classification (germline): Likely benign (1 of 4 stars; one submission).

Allele frequency attached by ClinVar (database versions not stated): gnomAD exomes 0.00031; ExAC 0.00161; gnomAD 0.00278; TOPMed 0.00308; ESP Exome Variant Server 0.00329; 1000 Genomes Project 0.00579; 1000 Genomes Project 30x 0.00593.
gnomAD v4.1: 865 of 1,538,826 alleles (0.056%); highest among the groups gnomAD compares: African/African-American, 0.97%; 6 homozygotes.

Submission:

CeGaT Center for Human Genetics Tuebingen
Classification: Likely benign. Last evaluated: 2023-03-01. Review status: criteria provided, single submitter. Criteria: CeGaT Center For Human Genetics Tuebingen Variant Classification Criteria Version 2. Collection method: clinical testing. Allele origin: germline. Affected: yes. Observed: 1 variant allele.
Comment: CLEC2A: BS2

NM_001130711.2(CLEC2A):c.411G>A (p.Trp137Ter)

Gene: CLEC2A (C-type lectin domain family 2 member A; minus strand). Cytogenetic location: 12p13.31.
Variant type: single nucleotide variant.
Coding change: c.411G>A on transcript NM_001130711.2 (MANE Select); coding-DNA position 411, G replaced by A.
Protein change: p.Trp137Ter; replaces tryptophan 137 with a stop codon.
Molecular consequence: nonsense. On other transcripts: intron variant (1).
Genome position (GRCh38, 1-based): chr12:9,913,680, C>T on the plus strand (G>A on the coding strand, the complement: CLEC2A is on the minus strand). VCF-style: chr12-9913680-C-T. GRCh37 (hg19) VCF-style: chr12-10066279-C-T.
Other names: c.410+3020G>A (NM_207375.3); short protein forms W137*.
Identifiers: ClinVar variation 2642698 (VCV002642698.24), dbSNP rs142033208, ClinGen allele CA6442442.